The following is an entry in ClinVar:

NM_001384125.1(BLTP1):c.3761C>T (p.Ser1254Leu)

Gene: BLTP1 (bridge-like lipid transfer protein family member 1; plus strand). Cytogenetic location: 4q27.
Variant type: single nucleotide variant.
Coding change: c.3761C>T on transcript NM_001384125.1 (MANE Select); coding-DNA position 3761, C replaced by T.
Protein change: p.Ser1254Leu; replaces serine 1254 with leucine.
Molecular consequence: missense variant.
Genome position (GRCh38, 1-based): chr4:122,238,278, C>T. VCF-style: chr4-122238278-C-T. GRCh37 (hg19) VCF-style: chr4-123159433-C-T.
Other names: c.3761C>T, p.Ser1254Leu (NM_015312.4); short protein forms S1254L.
Identifiers: ClinVar variation 2578174 (VCV002578174.2), dbSNP rs370671592, ClinGen allele CA3066230.

ClinVar aggregate classification (germline): Uncertain significance. Review status: criteria provided, multiple submitters, no conflicts (2 of 4 stars). 2 submissions from 2 submitters: Uncertain significance (2). Last evaluated 2025-01-22.

Allele frequency attached by ClinVar (database versions not stated): gnomAD exomes 0.00001; TOPMed 0.00002; ExAC 0.00003; gnomAD 0.00003; ESP Exome Variant Server 0.00008.
gnomAD v4.1: 25 of 1,613,976 alleles (0.0015%); highest among the groups gnomAD compares: Non-Finnish European, 0.002%; no homozygotes.

Submissions (2):

Ambry Genetics
Classification: Uncertain significance. Last evaluated: 2025-01-22. Review status: criteria provided, single submitter. Criteria: Ambry Variant Classification Scheme 2023. Collection method: clinical testing. Allele origin: germline.

GeneDx
Classification: Uncertain significance. Last evaluated: 2023-03-01. Review status: criteria provided, single submitter. Criteria: GeneDx Variant Classification Process June 2021. Collection method: clinical testing. Allele origin: germline. Affected: yes.
Comment: Not observed at significant frequency in large population cohorts (gnomAD); In silico analysis supports that this missense variant does not alter protein structure/function; Has not been previously published as pathogenic or benign to our knowledge